The following is an entry in ClinVar:

NM_000169.3(GLA):c.64G>A (p.Val22Ile)

Genes: RPL36A-HNRNPH2 (RPL36A-HNRNPH2 readthrough; plus strand), GLA (galactosidase alpha; minus strand). Cytogenetic location: Xq22.1.
Variant type: single nucleotide variant.
Coding change: c.64G>A on transcript NM_000169.3 (MANE Select); coding-DNA position 64, G replaced by A.
Protein change: p.Val22Ile; replaces valine 22 with isoleucine.
Molecular consequence: missense variant. On other transcripts: non-coding transcript variant (3), intron variant (2).
Genome position (GRCh38, 1-based): chrX:101,407,840, C>T on the plus strand (G>A on the coding strand, the complement: GLA is on the minus strand). VCF-style: chrX-101407840-C-T. GRCh37 (hg19) VCF-style: chrX-100662828-C-T.
Other names: c.64G>A, p.Val22Ile (NM_001406747.1, NM_001406748.1, NM_001406749.1); c.301-4096C>T (NM_001199973.2); c.178-4096C>T (NM_001199974.2); short protein forms V22I.
Identifiers: ClinVar variation 2721245 (VCV002721245.4), dbSNP rs2520946121, ClinGen allele CA413937646.

ClinVar aggregate classification (germline): Uncertain significance. Review status: criteria provided, multiple submitters, no conflicts (2 of 4 stars). 3 submissions from 3 submitters: Uncertain significance (3). Last evaluated 2025-07-24.

Conditions:
Fabry disease. Also called: Fabry's disease; ALPHA-GALACTOSIDASE A DEFICIENCY; ANDERSON-FABRY DISEASE; CERAMIDE TRIHEXOSIDASE DEFICIENCY; GLA DEFICIENCY; HEREDITARY DYSTOPIC LIPIDOSIS. Identifiers: Orphanet 324, MedGen C0002986, MONDO:0010526, OMIM 301500, HP:0001071. Disease mechanism: Fabry disease is due to inactivating mutations in the X-linked GLA gene resulting in deficiency of the enzyme Alpha Galactosidase-A., loss of function.
Cardiovascular phenotype. Identifiers: MedGen CN230736.

gnomAD v4.1: 1 of 1,211,415 alleles (0.000083%); highest among the groups gnomAD compares: Admixed American, 0.0022%; no homozygotes.

Submissions (3):

Molecular Diagnostic Laboratory for Inherited Cardiovascular Disease, Montreal Heart Institute
Classification: Uncertain significance for Cardiovascular phenotype. Last evaluated: 2025-07-24. Review status: criteria provided, single submitter. Criteria: ACMG Guidelines, 2015. Collection method: clinical testing. Allele origin: germline. Affected: yes.
Comment: PM2, PP2, BP4

Labcorp Genetics (formerly Invitae), Labcorp
Classification: Uncertain significance for Fabry disease. Last evaluated: 2025-03-06. Review status: criteria provided, single submitter. Criteria: Invitae Variant Classification Sherloc (09022015). Collection method: clinical testing. Allele origin: germline.
Comment: This sequence change replaces valine, which is neutral and non-polar, with isoleucine, which is neutral and non-polar, at codon 22 of the GLA protein (p.Val22Ile). This variant is not present in population databases (gnomAD no frequency). This variant has not been reported in the literature in individuals affected with GLA-related conditions. ClinVar contains an entry for this variant (Variation ID: 2721245). Invitae Evidence Modeling of protein sequence and biophysical properties (such as structural, functional, and spatial information, amino acid conservation, physicochemical variation, residue mobility, and thermodynamic stability) has been performed for this missense variant. However, the output from this modeling did not meet the statistical confidence thresholds required to predict the impact of this variant on GLA protein function. In summary, the available evidence is currently insufficient to determine the role of this variant in disease. Therefore, it has been classified as a Variant of Uncertain Significance.

All of Us Research Program, National Institutes of Health
Classification: Uncertain significance for Fabry disease. Last evaluated: 2023-08-15. Review status: criteria provided, single submitter. Criteria: ACMG Guidelines, 2015. Collection method: clinical testing. Allele origin: germline. Inheritance: X-linked inheritance. Observed: 1 variant allele, 1 heterozygote.
Comment: This study involves interpretation of variants in research participants for the purpose of population health screening. Participant phenotype was not available at the time of variant classification. Additional details can be found in publication PMID: 35346344, PMCID: PMC8962531